The following is an entry in ClinVar:

NM_000018.4(ACADVL):c.1801del (p.Met601fs)

Gene: ACADVL (acyl-CoA dehydrogenase very long chain; plus strand). Cytogenetic location: 17p13.1.
Variant type: Deletion.
Coding change: c.1801del on transcript NM_000018.4 (MANE Select); coding-DNA position 1801, one base deleted (A; older notation c.1801delA).
Protein change: p.Met601fs; shifts the reading frame from methionine 601.
Molecular consequence: frameshift variant.
Genome position (GRCh38, 1-based): chr17:7,224,858, A deleted; the last of 4 consecutive A bases (chr17:7,224,855-7,224,858); deleting any one gives the same sequence. VCF-style (leftmost placement, unchanged base first): chr17-7224854-GA-G. GRCh37 (hg19) VCF-style: chr17-7128173-GA-G.
Other names: NM_001270448.2:c.1573del; c.1735del, p.Met579fs (NM_001033859.3); c.1870del, p.Met624fs (NM_001270447.2); c.1573del, p.Met525fs (NM_001270448.2); short protein forms M525fs, M579fs, M601fs, M624fs.
Identifiers: ClinVar variation 1806484 (VCV001806484.2), dbSNP rs2508370832, ClinGen allele CA1139532270.
Genomic context (GRCh38, chr17:7,224,854, plus strand): 5'-CCTGCTTCCTGCCAGGGCCTCAAGATCCCTGAGTGAGGGCCACCCCACGGCCCAGCATGA[GA>G]AAATGCTCTGTGACACCTGGTGTATCGAGGTGAGACTCGGGGCTGCCAAGCTCAGGTGAG-3'

ClinVar aggregate classification (germline): Uncertain significance (3 of 4 stars; one submission).

Conditions:
Very long chain acyl-CoA dehydrogenase deficiency (ACADVLD). Also called: Very Long-Chain Acyl-Coenzyme A Dehydrogenase Deficiency; VLCAD Deficiency. Identifiers: Orphanet 26793, MedGen C3887523, MONDO:0008723, OMIM 201475.

Submission:

ClinGen ACADVL Variant Curation Expert Panel, ClinGen
Classification: Uncertain significance for Very long chain acyl-CoA dehydrogenase deficiency. Last evaluated: 2022-12-14. Review status: reviewed by expert panel. Criteria: clingen acadvl acmg specifications v1. Collection method: curation. Allele origin: germline. Inheritance: Autosomal recessive inheritance.
Comment: The c.1801del variant in ACADVL, also published as 1798del1, is a frameshift variant that may cause loss of function of the protein; however, it is predicted to escape nonsense mediated decay and remove <10% of the protein (PVS1_Moderate). This variant has been reported presumed in trans to a likely pathogenic variant, but this individual does not meet the ACADVL VCEP criteria to be counted as affected with very long chain acyl-CoA dehydrogenase (VLCAD) deficiency, so this information is not considered evidence of pathogenicity. This variant is absent from gnomAD v2.1.1 (PM2_Supporting). Due to limited evidence, this variant is classified as a variant of uncertain significance for autosomal recessive VLCAD deficiency based on the ACMG/AMP criteria applied, as specified by the ClinGen ACADVL Variant Curation Expert Panel: PVS1_Moderate, PM2_Supporting (ACADVL VCEP specifications version 1; approved November 8, 2021).